The following is an entry in ClinVar:

NM_001458.5(FLNC):c.7614G>T (p.Leu2538Phe)

Genes: FLNC (filamin C; plus strand), FLNC-AS1 (FLNC antisense RNA 1; minus strand). Cytogenetic location: 7q32.1.
Variant type: single nucleotide variant.
Coding change: c.7614G>T on transcript NM_001458.5 (MANE Select); coding-DNA position 7614, G replaced by T.
Protein change: p.Leu2538Phe; replaces leucine 2538 with phenylalanine.
Molecular consequence: missense variant.
Genome position (GRCh38, 1-based): chr7:128,857,170, G>T. VCF-style: chr7-128857170-G-T. GRCh37 (hg19) VCF-style: chr7-128497224-G-T.
Other names: p.Leu2538Phe; c.7515G>T, p.Leu2505Phe (NM_001127487.2); short protein forms L2538F, L2505F.
Identifiers: ClinVar variation 445970 (VCV000445970.24), dbSNP rs180834558, ClinGen allele CA4476327.

ClinVar aggregate classification (germline): Benign/Likely benign. Review status: criteria provided, multiple submitters, no conflicts (2 of 4 stars). 10 submissions from 10 submitters: Benign (5); Likely benign (5). Last evaluated 2026-02-01.

Conditions:
Myofibrillar myopathy 5. Also called: Filaminopathy (type); FILAMINOPATHY, AUTOSOMAL DOMINANT. Identifiers: Orphanet 171445, MedGen C1836050, MONDO:0012289, OMIM 609524.
Distal myopathy with posterior leg and anterior hand involvement. Also called: WILLIAMS DISTAL MYOPATHY. Identifiers: Orphanet 63273, MedGen C3279722, MONDO:0013550, OMIM 614065.
Hypertrophic cardiomyopathy 26. Also called: Cardiomyopathy, familial hypertrophic, 26. Identifiers: Orphanet 75249, MedGen C4310749, MONDO:0014883, OMIM 617047.
Cardiovascular phenotype. Identifiers: MedGen CN230736.

Allele frequency attached by ClinVar (database versions not stated): 1000 Genomes Project 30x 0.00187; 1000 Genomes Project 0.00200; gnomAD exomes 0.00036 and 0.00160; gnomAD 0.00041 and 0.00051; TOPMed 0.00080; ExAC 0.00142.
gnomAD v4.1: 602 of 1,614,120 alleles (0.037%); highest among the groups gnomAD compares: East Asian, 1.3%; 6 homozygotes.

Submissions (10):

Labcorp Genetics (formerly Invitae), Labcorp
Classification: Benign for Distal myopathy with posterior leg and anterior hand involvement; Myofibrillar myopathy 5; Hypertrophic cardiomyopathy 26. Last evaluated: 2026-02-01. Review status: criteria provided, single submitter. Criteria: Invitae Variant Classification Sherloc (09022015). Collection method: clinical testing. Allele origin: germline.

Molecular Diagnostic Laboratory for Inherited Cardiovascular Disease, Montreal Heart Institute
Classification: Likely benign. Last evaluated: 2025-04-09. Review status: criteria provided, single submitter. Criteria: ACMG Guidelines, 2015. Collection method: clinical testing. Allele origin: germline. Affected: no.

Women's Health and Genetics/Laboratory Corporation of America, LabCorp
Classification: Likely benign. Last evaluated: 2025-02-09. Review status: criteria provided, single submitter. Criteria: LabCorp Variant Classification Summary - May 2015. Collection method: clinical testing. Allele origin: germline.

Blueprint Genetics
Classification: Likely benign. Last evaluated: 2024-10-30. Review status: criteria provided, single submitter. Criteria: ACMG Guidelines, 2015. Collection method: clinical testing. Allele origin: germline.

Mayo Clinic Laboratories, Mayo Clinic
Classification: Benign. Last evaluated: 2024-09-25. Review status: criteria provided, single submitter. Criteria: ACMG Guidelines, 2015. Collection method: clinical testing. Allele origin: germline. Observed: 1 variant allele.
Comment: BA1

Fulgent Genetics
Classification: Benign for Myofibrillar myopathy 5; Distal myopathy with posterior leg and anterior hand involvement; Hypertrophic cardiomyopathy 26. Last evaluated: 2021-08-11. Review status: criteria provided, single submitter. Criteria: ACMG Guidelines, 2015. Collection method: clinical testing. Allele origin: unknown.

Ambry Genetics
Classification: Benign for Cardiovascular phenotype. Last evaluated: 2020-01-23. Review status: criteria provided, single submitter. Criteria: Ambry Variant Classification Scheme 2023. Collection method: clinical testing. Allele origin: germline.

GeneDx
Classification: Benign. Last evaluated: 2019-10-09. Review status: criteria provided, single submitter. Criteria: GeneDx Variant Classification Process June 2021. Collection method: clinical testing. Allele origin: germline. Affected: yes.

Center for Pediatric Genomic Medicine, Children's Mercy Hospital and Clinics
Classification: Likely benign. Last evaluated: 2017-03-08. Review status: criteria provided, single submitter. Criteria: ACMG Guidelines, 2015. Collection method: clinical testing. Allele origin: germline.

Breakthrough Genomics
Classification: Likely benign. Review status: criteria provided, single submitter. Criteria: ACMG Guidelines, 2015. Collection method: not provided. Allele origin: germline. Inheritance: Autosomal dominant inheritance. Affected: yes.